The following is an entry in ClinVar:

NM_000222.3(KIT):c.314A>G (p.Asn105Ser)

Gene: KIT (KIT proto-oncogene, receptor tyrosine kinase; plus strand). Cytogenetic location: 4q12.
Variant type: single nucleotide variant.
Coding change: c.314A>G on transcript NM_000222.3 (MANE Select); coding-DNA position 314, A replaced by G.
Protein change: p.Asn105Ser; replaces asparagine 105 with serine.
Molecular consequence: missense variant.
Genome position (GRCh38, 1-based): chr4:54,695,758, A>G. VCF-style: chr4-54695758-A-G. GRCh37 (hg19) VCF-style: chr4-55561924-A-G.
Other names: c.314A>G, p.Asn105Ser (NM_001093772.2, NM_001385284.1, NM_001385285.1 and 4 more transcripts); short protein forms N105S.
Identifiers: ClinVar variation 1986123 (VCV001986123.5), dbSNP rs2475442315, ClinGen allele CA356897310.

ClinVar aggregate classification (germline): Conflicting classifications of pathogenicity. Review status: criteria provided, conflicting classifications (1 of 4 stars). 2 submissions from 2 submitters: Uncertain significance (1); Likely benign (1). Last evaluated 2024-12-22.

Conditions:
Hereditary cancer-predisposing syndrome. Also called: Tumor predisposition; Hereditary Cancer Syndrome; Hereditary neoplastic syndrome; Neoplastic Syndromes, Hereditary. Identifiers: Orphanet 140162, MedGen C0027672, MeSH D009386, MONDO:0015356.
Gastrointestinal stromal tumor. Also called: Gastrointestinal stroma tumor; Gastrointestinal stromal tumor, somatic. Identifiers: Orphanet 44890, MedGen C0238198, MeSH D046152, MONDO:0011719, OMIM 606764, HP:0100723.

Submissions (2):

Ambry Genetics
Classification: Likely benign for Hereditary cancer-predisposing syndrome. Last evaluated: 2024-12-22. Review status: criteria provided, single submitter. Criteria: Ambry Variant Classification Scheme 2023. Collection method: clinical testing. Allele origin: germline.

Labcorp Genetics (formerly Invitae), Labcorp
Classification: Uncertain significance for Gastrointestinal stromal tumor. Last evaluated: 2022-12-11. Review status: criteria provided, single submitter. Criteria: Invitae Variant Classification Sherloc (09022015). Collection method: clinical testing. Allele origin: germline.
Comment: In summary, the available evidence is currently insufficient to determine the role of this variant in disease. Therefore, it has been classified as a Variant of Uncertain Significance. Algorithms developed to predict the effect of missense changes on protein structure and function output the following: SIFT: "Tolerated"; PolyPhen-2: "Benign"; Align-GVGD: "Class C0". The serine amino acid residue is found in multiple mammalian species, which suggests that this missense change does not adversely affect protein function. This variant has not been reported in the literature in individuals affected with KIT-related conditions. This variant is not present in population databases (gnomAD no frequency). This sequence change replaces asparagine, which is neutral and polar, with serine, which is neutral and polar, at codon 105 of the KIT protein (p.Asn105Ser).